The following is an entry in ClinVar:

ClinVar aggregate classification (germline): Uncertain significance. Review status: criteria provided, multiple submitters, no conflicts (2 of 4 stars). 2 submissions from 2 submitters: Uncertain significance (2). Last evaluated 2026-03-06.

Conditions:
Hereditary cancer-predisposing syndrome. Also called: Tumor predisposition; Hereditary Cancer Syndrome; Hereditary neoplastic syndrome; Neoplastic Syndromes, Hereditary. Identifiers: Orphanet 140162, MedGen C0027672, MeSH D009386, MONDO:0015356.
Familial melanoma. Also called: Hereditary cutaneous melanoma; Hereditary melanoma. Identifiers: Orphanet 618, MedGen C1512419, MONDO:0018961.

Submissions (2):

Ambry Genetics
Classification: Uncertain significance for Hereditary cancer-predisposing syndrome. Last evaluated: 2026-03-06. Review status: criteria provided, single submitter. Criteria: Ambry Variant Classification Scheme 2023. Collection method: clinical testing. Allele origin: germline.
Comment: The p.P239L variant (also known as c.716C>T), located in coding exon 6 of the CDK4 gene, results from a C to T substitution at nucleotide position 716. The proline at codon 239 is replaced by leucine, an amino acid with similar properties. This amino acid position is highly conserved in available vertebrate species. In addition, the in silico prediction for this alteration is inconclusive. Based on the available evidence, the clinical significance of this variant remains unclear.

Labcorp Genetics (formerly Invitae), Labcorp
Classification: Uncertain significance for Familial melanoma. Last evaluated: 2023-06-14. Review status: criteria provided, single submitter. Criteria: Invitae Variant Classification Sherloc (09022015). Collection method: clinical testing. Allele origin: germline.
Comment: This variant has not been reported in the literature in individuals affected with CDK4-related conditions. Advanced modeling of protein sequence and biophysical properties (such as structural, functional, and spatial information, amino acid conservation, physicochemical variation, residue mobility, and thermodynamic stability) performed at Invitae indicates that this missense variant is expected to disrupt CDK4 protein function. In summary, the available evidence is currently insufficient to determine the role of this variant in disease. Therefore, it has been classified as a Variant of Uncertain Significance. This variant is not present in population databases (gnomAD no frequency). This sequence change replaces proline, which is neutral and non-polar, with leucine, which is neutral and non-polar, at codon 239 of the CDK4 protein (p.Pro239Leu).

NM_000075.4(CDK4):c.716C>T (p.Pro239Leu)

Genes: CDK4 (cyclin dependent kinase 4; minus strand), TSPAN31 (tetraspanin 31; plus strand). Cytogenetic location: 12q14.1.
Variant type: single nucleotide variant.
Coding change: c.716C>T on transcript NM_000075.4 (MANE Select); coding-DNA position 716, C replaced by T.
Protein change: p.Pro239Leu; replaces proline 239 with leucine.
Molecular consequence: missense variant. On other transcripts: 3 prime UTR variant (3).
Genome position (GRCh38, 1-based): chr12:57,749,285, G>A on the plus strand (C>T on the coding strand, the complement: CDK4 is on the minus strand). VCF-style: chr12-57749285-G-A. GRCh37 (hg19) VCF-style: chr12-58143068-G-A.
Other names: c.*1995G>A (NM_001330168.2, NM_001330169.2, NM_005981.5); c.716C>T (NM_000075.3); short protein forms P239L.
Identifiers: ClinVar variation 2777318 (VCV002777318.4), dbSNP rs2140383035, ClinGen allele CA385543525.